The following is an entry in ClinVar:

NM_181741.4(ORC4):c.733T>G (p.Phe245Val)

Gene: ORC4 (origin recognition complex subunit 4; minus strand). Cytogenetic location: 2q23.1.
Variant type: single nucleotide variant.
Coding change: c.733T>G on transcript NM_181741.4 (MANE Select); coding-DNA position 733, T replaced by G.
Protein change: p.Phe245Val; replaces phenylalanine 245 with valine.
Molecular consequence: missense variant.
Genome position (GRCh38, 1-based): chr2:147,948,080, A>C on the plus strand (T>G on the coding strand, the complement: ORC4 is on the minus strand). VCF-style: chr2-147948080-A-C. GRCh37 (hg19) VCF-style: chr2-148705649-A-C.
Other names: c.733T>G, p.Phe245Val (NM_001190879.3, NM_001374270.1, NM_002552.5 and 1 more transcripts); c.481T>G, p.Phe161Val (NM_001190881.3, NM_001374272.1); c.511T>G, p.Phe171Val (NM_001190882.3); short protein forms F161V, F171V, F245V.
Identifiers: ClinVar variation 2088901 (VCV002088901.4), dbSNP rs756015637, ClinGen allele CA348712752.

ClinVar aggregate classification (germline): Uncertain significance (1 of 4 stars; one submission).

Submission:

Labcorp Genetics (formerly Invitae), Labcorp
Classification: Uncertain significance. Last evaluated: 2025-11-10. Review status: criteria provided, single submitter. Criteria: Invitae Variant Classification Sherloc (09022015). Collection method: clinical testing. Allele origin: germline.
Comment: This sequence change replaces phenylalanine, which is neutral and non-polar, with valine, which is neutral and non-polar, at codon 245 of the ORC4 protein (p.Phe245Val). This variant is not present in population databases (gnomAD no frequency). This variant has not been reported in the literature in individuals affected with ORC4-related conditions. ClinVar contains an entry for this variant (Variation ID: 2088901). An algorithm developed to predict the effect of missense changes on protein structure and function (PolyPhen-2) suggests that this variant is likely to be disruptive. In summary, the available evidence is currently insufficient to determine the role of this variant in disease. Therefore, it has been classified as a Variant of Uncertain Significance.